The following is an entry in ClinVar:

NM_001385641.1(SAMD11):c.2460A>C (p.Gln820His)

Gene: SAMD11 (sterile alpha motif domain containing 11; plus strand). Cytogenetic location: 1p36.33.
Variant type: single nucleotide variant.
Coding change: c.2460A>C on transcript NM_001385641.1 (MANE Select); coding-DNA position 2460, A replaced by C.
Protein change: p.Gln820His; replaces glutamine 820 with histidine.
Molecular consequence: missense variant.
Genome position (GRCh38, 1-based): chr1:944,078, A>C. VCF-style: chr1-944078-A-C. GRCh37 (hg19) VCF-style: chr1-879458-A-C.
Other names: c.2463A>C, p.Gln821His (NM_001385640.1); c.1971A>C, p.Gln657His (NM_152486.4); short protein forms Q820H, Q821H, Q657H.
Identifiers: ClinVar variation 1396830 (VCV001396830.6), dbSNP rs1485806755, ClinGen allele CA337819572.

ClinVar aggregate classification (germline): Uncertain significance (1 of 4 stars; one submission).

Allele frequency attached by ClinVar (database versions not stated): gnomAD exomes below 0.00001.
gnomAD v4.1: 1 of 1,612,506 alleles (0.000062%); highest among the groups gnomAD compares: Non-Finnish European, 0.000085%; no homozygotes.

Submission:

Labcorp Genetics (formerly Invitae), Labcorp
Classification: Uncertain significance. Last evaluated: 2022-08-19. Review status: criteria provided, single submitter. Criteria: Invitae Variant Classification Sherloc (09022015). Collection method: clinical testing. Allele origin: germline.
Comment: In summary, the available evidence is currently insufficient to determine the role of this variant in disease. Therefore, it has been classified as a Variant of Uncertain Significance. Algorithms developed to predict the effect of missense changes on protein structure and function output the following: SIFT: "Deleterious"; PolyPhen-2: "Benign"; Align-GVGD: "Class C0". The histidine amino acid residue is found in multiple mammalian species, which suggests that this missense change does not adversely affect protein function. ClinVar contains an entry for this variant (Variation ID: 1396830). This variant has not been reported in the literature in individuals affected with SAMD11-related conditions. This variant is present in population databases (no rsID available, gnomAD 0.0009%). This sequence change replaces glutamine, which is neutral and polar, with histidine, which is basic and polar, at codon 657 of the SAMD11 protein (p.Gln657His).